The following is an entry in ClinVar:

NM_000132.4(F8):c.5217C>T (p.Asn1739=)

Gene: F8 (coagulation factor VIII; minus strand). Cytogenetic location: Xq28.
Variant type: single nucleotide variant.
Coding change: c.5217C>T on transcript NM_000132.4 (MANE Select); coding-DNA position 5217, C replaced by T.
Protein change: p.Asn1739=; no amino-acid change (asparagine 1739 retained).
Molecular consequence: synonymous variant.
Genome position (GRCh38, 1-based): chrX:154,928,573, G>A on the plus strand (C>T on the coding strand, the complement: F8 is on the minus strand). VCF-style: chrX-154928573-G-A. GRCh37 (hg19) VCF-style: chrX-154156848-G-A.
Other names: NM_000132.3(F8):c.5217C>T; p.Asn1739=.
Identifiers: ClinVar variation 627324 (VCV000627324.2), dbSNP rs1603433715, ClinGen allele CA519374734.

ClinVar aggregate classification (germline): Likely pathogenic. Review status: reviewed by expert panel (3 of 4 stars). 2 submissions from 2 submitters: Likely pathogenic (1). 1 of the submissions does not count toward it. Last evaluated 2024-10-11.

Conditions:
Hereditary factor IX deficiency disease (HEMB). Also called: Hemophilia B; F9 DEFICIENCY; FACTOR IX DEFICIENCY; PLASMA THROMBOPLASTIN COMPONENT DEFICIENCY; Christmas Disease. Identifiers: Orphanet 98879, MedGen C0008533, MeSH D002836, MONDO:0010604, OMIM 306900.
Hereditary factor VIII deficiency disease (HEMA). Also called: Hemophilia A, congenital; HEM A; Factor 8 deficiency, congenital; HEMOPHILIA, CLASSIC; Hemophilia A; AUTOSOMAL HEMOPHILIA A. Identifiers: Orphanet 98878, MedGen C0019069, MONDO:0010602, OMIM 306700.

Allele frequency attached by ClinVar (database versions not stated): TOPMed below 0.00001; gnomAD exomes 0.00001.
gnomAD v4.1: 8 of 1,205,654 alleles (0.00066%); highest among the groups gnomAD compares: Non-Finnish European, 0.0009%; no homozygotes.

Submissions (2):

ClinGen Coagulation Factor Deficiency Variant Curation Expert Panel, Clingen
Classification: Likely pathogenic for Hereditary factor VIII deficiency disease. Last evaluated: 2024-10-11. Review status: reviewed by expert panel. Criteria: ClinGen CoagFactor ACMG Specifications F8 V1.0.0. Collection method: curation. Allele origin: germline. Inheritance: X-linked inheritance.
Comment: The NM_000132.3(F8):c.5217C>T (p.Asn1739=) synonymous variant is completely absent from population databases (gnomAD v2.1.1/gnomAD v3.1.1). SpliceAI predicts a score of 0.31 for the loss of the canonical donor of intron 14; however the threshold (>0.5) for SpliceAI is not met and does not meet criteria for PP3. At least 4 probands with mild hemophilia A from the literature and internal laboratory data meet F8-phenotype criteria. This variant was found to co-segregate with disease in affected family members, with two meioses observed in a family (Internal Laboratory Data), meeting criteria for PP1. In summary, this variant meets the criteria to be classified as likely pathogenic. ACMG/AMP criteria applied, as specified by the Coagulation Factor Deficiency Variant Curation Expert Panel for F8: PS4, PP1, PM2_Supporting. (ClinGen Coagulation Factor Deficiency Expert Panel Specifications to the ACMG/AMP Variant Interpretation Guidelines for F8 Version 1.0.0., Released 10/5/2023).

NIHR Bioresource Rare Diseases, University of Cambridge
Classification: Likely pathogenic for Hereditary factor IX deficiency disease. Last evaluated: 2019-02-01. Review status: criteria provided, single submitter. Criteria: ACMG Guidelines, 2015. Collection method: research. Allele origin: unknown. Affected: yes. Observed: 1 heterozygote. Study: ThromboGenomics. Not counted in ClinVar's aggregate classification.

Literature cited by the submitters: PubMed 31064749 (cited by NIHR Bioresource Rare Diseases, University of Cambridge).